The following is an entry in ClinVar:

ClinVar aggregate classification (germline): Conflicting classifications of pathogenicity. Review status: criteria provided, conflicting classifications (1 of 4 stars). 2 submissions from 2 submitters: Uncertain significance (1); Likely benign (1). Last evaluated 2025-12-08.

Conditions:
Primary ciliary dyskinesia. Also called: Ciliary dyskinesia. Identifiers: Orphanet 244, MedGen C0008780, MONDO:0016575, HP:0012265.

gnomAD v4.1: 3 of 1,470,666 alleles (0.0002%); highest among the groups gnomAD compares: Middle Eastern, 0.053%; no homozygotes.

Submissions (2):

Labcorp Genetics (formerly Invitae), Labcorp
Classification: Uncertain significance for Primary ciliary dyskinesia. Last evaluated: 2025-12-08. Review status: criteria provided, single submitter. Criteria: Invitae Variant Classification Sherloc (09022015). Collection method: clinical testing. Allele origin: germline.
Comment: This sequence change replaces valine, which is neutral and non-polar, with isoleucine, which is neutral and non-polar, at codon 727 of the DNAH11 protein (p.Val727Ile). This variant is not present in population databases (gnomAD no frequency). This variant has not been reported in the literature in individuals affected with DNAH11-related conditions. ClinVar contains an entry for this variant (Variation ID: 3604582). Invitae Evidence Modeling of protein sequence and biophysical properties (such as structural, functional, and spatial information, amino acid conservation, physicochemical variation, residue mobility, and thermodynamic stability) indicates that this missense variant is not expected to disrupt DNAH11 protein function with a negative predictive value of 95%. In summary, the available evidence is currently insufficient to determine the role of this variant in disease. Therefore, it has been classified as a Variant of Uncertain Significance.

Ambry Genetics
Classification: Likely benign for Primary ciliary dyskinesia. Last evaluated: 2025-09-17. Review status: criteria provided, single submitter. Criteria: Ambry Variant Classification Scheme 2023. Collection method: clinical testing. Allele origin: germline.

NM_001277115.2(DNAH11):c.2179G>A (p.Val727Ile)

Gene: DNAH11 (dynein axonemal heavy chain 11; plus strand). Cytogenetic location: 7p15.3.
Variant type: single nucleotide variant.
Coding change: c.2179G>A on transcript NM_001277115.2 (MANE Select); coding-DNA position 2179, G replaced by A.
Protein change: p.Val727Ile; replaces valine 727 with isoleucine.
Molecular consequence: missense variant.
Genome position (GRCh38, 1-based): chr7:21,590,927, G>A. VCF-style: chr7-21590927-G-A. GRCh37 (hg19) VCF-style: chr7-21630545-G-A.
Other names: c.2179G>A (NM_001277115.1); short protein forms V727I.
Identifiers: ClinVar variation 3604582 (VCV003604582.2).
Genomic context (GRCh38, chr7:21,590,927, plus strand): 5'-AGAATGACATTATGAAAATATGCAATAATTTTAATAATTGTATTTTAATAGCTAGTGGCT[G>A]TATTGAGAGAAGTGAAATATCTTTTGATGTTGAAGAAACAAGACATACCAGATTCAGCTT-3'
Protein context (NP_001264044.1, residues 717-737): CVNFDPKLVA[Val727Ile]LREVKYLLML